The following is an entry in ClinVar:

ClinVar aggregate classification (germline): Uncertain significance (1 of 4 stars; one submission).

Conditions:
Inborn genetic diseases. Identifiers: MedGen C0950123, MeSH D030342.

Submission:

Ambry Genetics
Classification: Uncertain significance for Inborn genetic diseases. Last evaluated: 2025-01-05. Review status: criteria provided, single submitter. Criteria: Ambry Variant Classification Scheme 2023. Collection method: clinical testing. Allele origin: germline.
Comment: The p.L1390M variant (also known as c.4168T>A), located in coding exon 1 of the SAMD9 gene, results from a T to A substitution at nucleotide position 4168. The leucine at codon 1390 is replaced by methionine, an amino acid with highly similar properties. This amino acid position is conserved. In addition, this alteration is predicted to be tolerated by in silico analysis. Based on the available evidence, the clinical significance of this variant remains unclear.

NM_017654.4(SAMD9):c.4168T>A (p.Leu1390Met)

Gene: SAMD9 (sterile alpha motif domain containing 9; minus strand). Cytogenetic location: 7q21.2.
Variant type: single nucleotide variant.
Coding change: c.4168T>A on transcript NM_017654.4 (MANE Select); coding-DNA position 4168, T replaced by A.
Protein change: p.Leu1390Met; replaces leucine 1390 with methionine.
Molecular consequence: missense variant.
Genome position (GRCh38, 1-based): chr7:93,101,930, A>T on the plus strand (T>A on the coding strand, the complement: SAMD9 is on the minus strand). VCF-style: chr7-93101930-A-T. GRCh37 (hg19) VCF-style: chr7-92731243-A-T.
Other names: c.4168T>A, p.Leu1390Met (NM_001193307.2); short protein forms L1390M.
Identifiers: ClinVar variation 3791978 (VCV003791978.1).